The following is an entry in ClinVar:

NM_001159699.2(FHL1):c.300CAA[1] (p.Asn101del)

Gene: FHL1 (four and a half LIM domains 1; plus strand). Cytogenetic location: Xq26.3.
Variant type: Microsatellite.
Coding change: c.300CAA[1] on transcript NM_001159699.2 (MANE Select); one copy of the 3-base unit CAA starting at c.300; the reference has two copies in a row; one copy, 3 bases deleted.
Protein change: p.Asn101del; deletes asparagine 101.
Molecular consequence: inframe deletion. On other transcripts: non-coding transcript variant (1).
Genome position (GRCh38, 1-based): chrX:136,207,114-136,207,116, CAA deleted; deleting any 3 consecutive bases within chrX:136,207,110-136,207,116 gives the same sequence; the position shown is the placement nearest the transcript's 3' end. VCF-style (leftmost placement, unchanged base first): chrX-136207109-GACA-G. GRCh37 (hg19) VCF-style: chrX-135289268-GACA-G.
Other names: c.255_257del (NM_001449.4); c.252CAA[1], p.Asn85del (NM_001159700.2, NM_001159702.3, NM_001159703.2 and 9 more transcripts); c.339CAA[1], p.Asn114del (NM_001159701.2); c.300CAA[1], p.Asn101del (NM_001330659.2); short protein forms N85del, N101del, N114del.
Identifiers: ClinVar variation 537355 (VCV000537355.11), dbSNP rs1237021594, ClinGen allele CA644668497.

ClinVar aggregate classification (germline): Uncertain significance. Review status: criteria provided, multiple submitters, no conflicts (2 of 4 stars). 2 submissions from 2 submitters: Uncertain significance (2). Last evaluated 2025-11-22.

Conditions:
X-linked myopathy with postural muscle atrophy. Also called: FHL1-Related Emery-Dreifuss Muscular Dystrophy, X-Linked. Identifiers: Orphanet 178461, MedGen C2678055, MONDO:0010401, OMIM 300696.

Submissions (2):

Labcorp Genetics (formerly Invitae), Labcorp
Classification: Uncertain significance for X-linked myopathy with postural muscle atrophy. Last evaluated: 2025-11-22. Review status: criteria provided, single submitter. Criteria: Invitae Variant Classification Sherloc (09022015). Collection method: clinical testing. Allele origin: germline.
Comment: This variant, c.255_257del, results in the deletion of 1 amino acid(s) of the FHL1 protein (p.Asn85del), but otherwise preserves the integrity of the reading frame. This variant is present in population databases (no rsID available, gnomAD 0.002%). This variant has not been reported in the literature in individuals affected with FHL1-related conditions. ClinVar contains an entry for this variant (Variation ID: 537355). Experimental studies and prediction algorithms are not available or were not evaluated, and the functional significance of this variant is currently unknown. In summary, the available evidence is currently insufficient to determine the role of this variant in disease. Therefore, it has been classified as a Variant of Uncertain Significance.

Revvity Omics, Revvity
Classification: Uncertain significance. Last evaluated: 2019-09-26. Review status: criteria provided, single submitter. Criteria: ACMG Guidelines, 2015. Collection method: clinical testing. Allele origin: germline.